The following is an entry in ClinVar:

ClinVar aggregate classification (germline): Uncertain significance. Review status: criteria provided, multiple submitters, no conflicts (2 of 4 stars). 4 submissions from 4 submitters: Uncertain significance (4). Last evaluated 2024-10-30.

Conditions:
Malignant tumor of pancreas. Also called: Cancer of the pancreas; Pancreatic cancer; Malignant pancreatic neoplasm. Identifiers: MedGen C0346647, MONDO:0009831.
Hereditary cancer-predisposing syndrome. Also called: Tumor predisposition; Hereditary neoplastic syndrome; Neoplastic Syndromes, Hereditary; Hereditary Cancer Syndrome. Identifiers: Orphanet 140162, MedGen C0027672, MeSH D009386, MONDO:0015356.
Breast neoplasm. Also called: Neoplasm of breast; Breast tumor; Neoplasm of the breast; Breast Neoplasms. Identifiers: MedGen C1458155, MeSH D001943, MONDO:0021100, HP:0100013. Disease mechanism: gain of function.
Breast and/or ovarian cancer. Identifiers: MedGen CN221562.

Submissions (4):

Ambry Genetics
Classification: Uncertain significance for Hereditary cancer-predisposing syndrome. Last evaluated: 2024-10-30. Review status: criteria provided, single submitter. Criteria: Ambry Variant Classification Scheme 2023. Collection method: clinical testing. Allele origin: germline.
Comment: The p.W31L variant (also known as c.92G>T), located in coding exon 2 of the BRCA2 gene, results from a G to T substitution at nucleotide position 92. The tryptophan at codon 31 is replaced by leucine, an amino acid with similar properties. This variant was identified in 1/507 unselected Chinese breast cancer patients (Zhong X et al. PLoS One, 2016 Jun;11:e0156789). This amino acid position is highly conserved in available vertebrate species. In addition, the in silico prediction for this alteration is inconclusive. Based on the available evidence, the clinical significance of this variant remains unclear.

CHEO Genetics Diagnostic Laboratory, Children's Hospital of Eastern Ontario
Classification: Uncertain significance for Breast and/or ovarian cancer. Last evaluated: 2022-02-15. Review status: criteria provided, single submitter. Criteria: ACMG Guidelines, 2015. Collection method: clinical testing. Allele origin: germline.

3DMed Clinical Laboratory Inc
Classification: Uncertain significance for Cancer of the pancreas. Last evaluated: 2017-03-07. Review status: criteria provided, single submitter. Criteria: ACMG Guidelines, 2015. Collection method: clinical testing. Allele origin: germline. Affected: yes.

Laboratory of Molecular Diagnosis of Cancer, West China Hospital, Sichuan University
Classification: Uncertain significance for Breast neoplasm. Last evaluated: 2015-11-01. Review status: criteria provided, single submitter. Criteria: ACMG Guidelines, 2015. Collection method: research. Allele origin: germline. Affected: yes. Observed: 1 variant allele.

Literature cited by the submitters: PubMed 27257965 (cited by Ambry Genetics and Laboratory of Molecular Diagnosis of Cancer, West China Hospital, Sichuan University).

NM_000059.4(BRCA2):c.92G>T (p.Trp31Leu)

Gene: BRCA2 (BRCA2 DNA repair associated; plus strand). Cytogenetic location: 13q13.1.
Variant type: single nucleotide variant.
Coding change: c.92G>T on transcript NM_000059.4 (MANE Select); coding-DNA position 92, G replaced by T.
Protein change: p.Trp31Leu; replaces tryptophan 31 with leucine.
Molecular consequence: missense variant.
Genome position (GRCh38, 1-based): chr13:32,319,101, G>T. VCF-style: chr13-32319101-G-T. GRCh37 (hg19) VCF-style: chr13-32893238-G-T.
Other names: short protein forms W31L.
Identifiers: ClinVar variation 224451 (VCV000224451.8), dbSNP rs397508045, ClinGen allele CA6940322.